The following is an entry in ClinVar:

ClinVar aggregate classification (germline): Uncertain significance (1 of 4 stars; one submission).

Conditions:
Hereditary cancer-predisposing syndrome. Also called: Neoplastic Syndromes, Hereditary; Tumor predisposition; Hereditary Cancer Syndrome; Hereditary neoplastic syndrome. Identifiers: Orphanet 140162, MedGen C0027672, MeSH D009386, MONDO:0015356.

Submission:

Ambry Genetics
Classification: Uncertain significance for Hereditary cancer-predisposing syndrome. Last evaluated: 2017-11-28. Review status: criteria provided, single submitter. Criteria: Ambry Variant Classification Scheme 2023. Collection method: clinical testing. Allele origin: germline.
Comment: The p.F579Y variant (also known as c.1736T>A), located in coding exon 11 of the PMS2 gene, results from a T to A substitution at nucleotide position 1736. The phenylalanine at codon 579 is replaced by tyrosine, an amino acid with highly similar properties. This amino acid position is not well conserved in available vertebrate species. In addition, this alteration is predicted to be tolerated by in silico analysis. Since supporting evidence is limited at this time, the clinical significance of this alteration remains unclear.

NM_000535.7(PMS2):c.1736T>A (p.Phe579Tyr)

Gene: PMS2 (PMS1 homolog 2, mismatch repair system component; minus strand). Cytogenetic location: 7p22.1.
Variant type: single nucleotide variant.
Coding change: c.1736T>A on transcript NM_000535.7 (MANE Select); coding-DNA position 1736, T replaced by A.
Protein change: p.Phe579Tyr; replaces phenylalanine 579 with tyrosine.
Molecular consequence: missense variant. On other transcripts: non-coding transcript variant (1).
Genome position (GRCh38, 1-based): chr7:5,987,029, A>T on the plus strand (T>A on the coding strand, the complement: PMS2 is on the minus strand). VCF-style: chr7-5987029-A-T. GRCh37 (hg19) VCF-style: chr7-6026660-A-T.
Other names: c.1331T>A, p.Phe444Tyr (NM_001018040.1, NM_001322003.2, NM_001322004.2 and 17 more transcripts); c.1580T>A, p.Phe527Tyr (NM_001322006.2, NM_001406870.1); c.1418T>A, p.Phe473Tyr (NM_001322007.2, NM_001322008.2, NM_001406876.1 and 2 more transcripts); c.1175T>A, p.Phe392Tyr (NM_001322010.2, NM_001406906.1, NM_001406907.1); c.803T>A, p.Phe268Tyr (NM_001322011.2, NM_001322012.2); c.1163T>A, p.Phe388Tyr (NM_001322013.2, NM_001406909.1); c.1736T>A, p.Phe579Tyr (NM_001322014.2, NM_001406871.1, NM_001406872.1); c.1427T>A, p.Phe476Tyr (NM_001322015.2, NM_001406875.1, NM_001406877.1 and 5 more transcripts); and 12 more; short protein forms F322Y, F444Y, F467Y, F476Y, F523Y, F587Y, F421Y, F473Y.
Identifiers: ClinVar variation 1779089 (VCV001779089.2), dbSNP rs2128724366, ClinGen allele CA366740111.